The following is an entry in ClinVar:

NM_001017420.3(ESCO2):c.854T>G (p.Leu285Ter)

Gene: ESCO2 (establishment of sister chromatid cohesion N-acetyltransferase 2; plus strand). Cytogenetic location: 8p21.1.
Variant type: single nucleotide variant.
Coding change: c.854T>G on transcript NM_001017420.3 (MANE Select); coding-DNA position 854, T replaced by G.
Protein change: p.Leu285Ter; replaces leucine 285 with a stop codon.
Molecular consequence: nonsense.
Genome position (GRCh38, 1-based): chr8:27,777,162, T>G. VCF-style: chr8-27777162-T-G. GRCh37 (hg19) VCF-style: chr8-27634679-T-G.
Other names: short protein forms L285*.
Identifiers: ClinVar variation 4992114 (VCV004992114.1).
Genomic context (GRCh38, chr8:27,777,162, plus strand): 5'-TCCTAGAAGAGAAATTGAAAATTGGACTACTGAGTGCAAGCAGTAAAAATAAAGAGAAAT[T>G]AATAAAGGTAAAGCTAAATATATCACTTTAAAAATGGCTGTATAACAAAACTTCAGTATA-3'

ClinVar aggregate classification (germline): Likely pathogenic (1 of 4 stars; one submission).

Conditions:
ESCO2-related disorder. Also called: ESCO2-related condition.

Submission:

PreventionGenetics, part of Exact Sciences
Classification: Likely pathogenic for ESCO2-related condition. Last evaluated: 2025-09-25. Review status: criteria provided, single submitter. Criteria: ACMG Guidelines, 2015. Collection method: clinical testing. Allele origin: germline.
Comment: The ESCO2 c.854T>G variant is predicted to result in premature protein termination (p.Leu285*). To our knowledge, this variant has not been reported in the literature or in a large population database (gnomAD), indicating this variant is rare. Nonsense variants in ESCO2 are expected to be pathogenic. This variant is interpreted as likely pathogenic.